The following is an entry in ClinVar:

NM_004393.6(DAG1):c.384G>T (p.Val128=)

Gene: DAG1 (dystroglycan 1; plus strand). Cytogenetic location: 3p21.31.
Variant type: single nucleotide variant.
Coding change: c.384G>T on transcript NM_004393.6 (MANE Select); coding-DNA position 384, G replaced by T.
Protein change: p.Val128=; no amino-acid change (valine 128 retained).
Molecular consequence: synonymous variant.
Genome position (GRCh38, 1-based): chr3:49,530,895, G>T. VCF-style: chr3-49530895-G-T. GRCh37 (hg19) VCF-style: chr3-49568328-G-T.
Other names: p.Val128=; c.384G>T, p.Val128= (NM_001165928.4, NM_001177634.3, NM_001177635.3 and 9 more transcripts).
Identifiers: ClinVar variation 257588 (VCV000257588.14), dbSNP rs143829263, ClinGen allele CA2398892.

ClinVar aggregate classification (germline): Benign. Review status: criteria provided, multiple submitters, no conflicts (2 of 4 stars). 4 submissions from 4 submitters: Benign (3). 1 of the submissions does not count toward it. Last evaluated 2026-01-24.

Conditions:
DAG1-related disorder. Also called: DAG1-related condition.
Muscular dystrophy-dystroglycanopathy (congenital with brain and eye anomalies), type A9. Also called: Muscular dystrophy-dystroglycanopathy (congenital with brain and eye anomalies), type a, 9; WALKER-WARBURG SYNDROME OR MUSCLE-EYE BRAIN DISEASE, DAG1-RELATED. Identifiers: Orphanet 370997, Orphanet 899, MedGen C4225291, MONDO:0014683, OMIM 616538.
Autosomal recessive limb-girdle muscular dystrophy type 2P. Also called: Limb-Girdle Muscular Dystrophy Type 9C; MUSCULAR DYSTROPHY, LIMB-GIRDLE, TYPE 2P; MUSCULAR DYSTROPHY-DYSTROGLYCANOPATHY, LIMB-GIRDLE, DAG1-RELATED. Identifiers: Orphanet 280333, MedGen C4511963, MONDO:0013440, OMIM 613818.

Allele frequency attached by ClinVar (database versions not stated): 1000 Genomes Project 0.00619; TOPMed 0.00312; ESP Exome Variant Server 0.00354; 1000 Genomes Project 30x 0.00671.

Submissions (4):

Labcorp Genetics (formerly Invitae), Labcorp
Classification: Benign for Autosomal recessive limb-girdle muscular dystrophy type 2P; Muscular dystrophy-dystroglycanopathy (congenital with brain and eye anomalies), type A9. Last evaluated: 2026-01-24. Review status: criteria provided, single submitter. Criteria: Invitae Variant Classification Sherloc (09022015). Collection method: clinical testing. Allele origin: germline.

Mayo Clinic Laboratories, Mayo Clinic
Classification: Benign. Last evaluated: 2018-05-25. Review status: criteria provided, single submitter. Criteria: ACMG Guidelines, 2015. Collection method: clinical testing. Allele origin: germline. Observed: 2 variant alleles.

GeneDx
Classification: Benign. Last evaluated: 2017-12-13. Review status: criteria provided, single submitter. Criteria: GeneDx Variant Classification (06012015). Collection method: clinical testing. Allele origin: germline. Affected: yes.
Comment: This variant is considered likely benign or benign based on one or more of the following criteria: it is a conservative change, it occurs at a poorly conserved position in the protein, it is predicted to be benign by multiple in silico algorithms, and/or has population frequency not consistent with disease.

PreventionGenetics, part of Exact Sciences
Classification: Benign for DAG1-related condition. Last evaluated: 2019-07-03. Review status: no assertion criteria provided. Collection method: clinical testing. Allele origin: germline. Not counted in ClinVar's aggregate classification.
Comment: This variant is classified as benign based on ACMG/AMP sequence variant interpretation guidelines (Richards et al. 2015 PMID: 25741868, with internal and published modifications).